The following is an entry in ClinVar:

NM_153252.5(BRWD3):c.3318A>G (p.Pro1106=)

Gene: BRWD3 (bromodomain and WD repeat domain containing 3; minus strand). Cytogenetic location: Xq21.1.
Variant type: single nucleotide variant.
Coding change: c.3318A>G on transcript NM_153252.5 (MANE Select); coding-DNA position 3318, A replaced by G.
Protein change: p.Pro1106=; no amino-acid change (proline 1106 retained).
Molecular consequence: synonymous variant.
Genome position (GRCh38, 1-based): chrX:80,692,096, T>C on the plus strand (A>G on the coding strand, the complement: BRWD3 is on the minus strand). VCF-style: chrX-80692096-T-C. GRCh37 (hg19) VCF-style: chrX-79947595-T-C.
Identifiers: ClinVar variation 914754 (VCV000914754.13), dbSNP rs140203774, ClinGen allele CA10461869.

ClinVar aggregate classification (germline): Benign/Likely benign. Review status: criteria provided, multiple submitters, no conflicts (2 of 4 stars). 5 submissions from 5 submitters: Benign (2); Likely benign (2). 1 of the submissions does not count toward it. Last evaluated 2024-07-10.

Conditions:
Inborn genetic diseases. Identifiers: MedGen C0950123, MeSH D030342.
BRWD3-related disorder. Also called: BRWD3-related condition.
Intellectual developmental disorder, X-linked 93. Also called: Intellectual disability, X-linked 93; MENTAL RETARDATION, X-LINKED, WITH MACROCEPHALY. Identifiers: MedGen C1970841, MONDO:0010393, OMIM 300659.

Allele frequency attached by ClinVar (database versions not stated): ExAC 0.00009; ESP Exome Variant Server 0.00019; gnomAD exomes 0.00005; gnomAD 0.00011; TOPMed 0.00011.
gnomAD v4.1: 180 of 1,203,500 alleles (0.015%); highest among the groups gnomAD compares: Middle Eastern, 0.052%; 1 homozygote.

Submissions (5):

Blueprint Genetics
Classification: Likely benign. Last evaluated: 2024-07-10. Review status: criteria provided, single submitter. Criteria: ACMG Guidelines, 2015. Collection method: clinical testing. Allele origin: germline.

Labcorp Genetics (formerly Invitae), Labcorp
Classification: Benign. Last evaluated: 2023-11-19. Review status: criteria provided, single submitter. Criteria: Invitae Variant Classification Sherloc (09022015). Collection method: clinical testing. Allele origin: germline.

Illumina Laboratory Services, Illumina
Classification: Benign for Intellectual developmental disorder, X-linked 93. Last evaluated: 2018-01-13. Review status: criteria provided, single submitter. Criteria: ICSL Variant Classification Criteria 13 December 2019. Collection method: clinical testing. Allele origin: germline.
Comment: This variant was observed in the ICSL laboratory as part of a predisposition screen in an ostensibly healthy population. It had not been previously curated by ICSL or reported in the Human Gene Mutation Database (HGMD: prior to June 1st, 2018), and was therefore a candidate for classification through an automated scoring system. Utilizing variant allele frequency, disease prevalence and penetrance estimates, and inheritance mode, an automated score was calculated to assess if this variant is too frequent to cause the disease. Based on the score and internal cut-off values, a variant classified as benign is not then subjected to further curation. The score for this variant resulted in a classification of benign for this disease.

Ambry Genetics
Classification: Likely benign for Inborn genetic diseases. Last evaluated: 2017-06-19. Review status: criteria provided, single submitter. Criteria: Ambry Variant Classification Scheme 2023. Collection method: clinical testing. Allele origin: germline.

PreventionGenetics, part of Exact Sciences
Classification: Likely benign for BRWD3-related condition. Last evaluated: 2019-03-07. Review status: no assertion criteria provided. Collection method: clinical testing. Allele origin: germline. Not counted in ClinVar's aggregate classification.
Comment: This variant is classified as likely benign based on ACMG/AMP sequence variant interpretation guidelines (Richards et al. 2015 PMID: 25741868, with internal and published modifications).